The following is an entry in ClinVar:

ClinVar aggregate classification (germline): Pathogenic (1 of 4 stars; one submission).

Conditions:
Glycogen storage disease, type IV (GSD4). Also called: AMYLOPECTINOSIS; ANDERSEN DISEASE; BRANCHER DEFICIENCY; CIRRHOSIS, FAMILIAL, WITH DEPOSITION OF ABNORMAL GLYCOGEN; GBE1 DEFICIENCY; GLYCOGEN BRANCHING ENZYME DEFICIENCY. Identifiers: Orphanet 367, MedGen C0017923, MONDO:0009292, OMIM 232500.

Submission:

Myriad Genetics, Inc.
Classification: Pathogenic for Glycogen storage disease, type IV. Last evaluated: 2026-06-23. Review status: criteria provided, single submitter. Criteria: Myriad Autosomal Dominant, Autosomal Recessive and X-Linked Classification Criteria (2023). Collection method: clinical testing. Allele origin: unknown.
Comment: NM_000158.3(GBE1):c.680_683delTCAA(I227Kfs*10) is expected to be pathogenic in the context of glycogen storage disease, GBE1-related. This variant is predicted to lead to an abnormal or absent protein product due to the creation of a premature termination codon in GBE1, a gene where loss-of-function variants are known to be pathogenic. Please note: this variant was assessed in the context of healthy population screening.

NM_000158.4(GBE1):c.680_683del (p.Ile227fs)

Gene: GBE1 (1,4-alpha-glucan branching enzyme 1; minus strand). Cytogenetic location: 3p12.2.
Variant type: Deletion.
Coding change: c.680_683del on transcript NM_000158.4 (MANE Select); coding-DNA positions 680 to 683, 4 bases deleted (TCAA; older notation c.680_683delTCAA).
Protein change: p.Ile227fs; shifts the reading frame from isoleucine 227.
Molecular consequence: frameshift variant.
Genome position (GRCh38, 1-based): chr3:81,648,864-81,648,867, TTGA deleted on the plus strand (TCAA on the coding strand, the reverse complement: GBE1 is on the minus strand); deleting any 4 consecutive bases within chr3:81,648,864-81,648,869 gives the same sequence; the c. name uses the placement nearest the transcript's 3' end. VCF-style (leftmost placement, unchanged base first): chr3-81648863-TTTGA-T. GRCh37 (hg19) VCF-style: chr3-81698014-TTTGA-T.
Other names: short protein forms I227fs.
Identifiers: ClinVar variation 5016070 (VCV005016070.1).